The following is an entry in ClinVar:

ClinVar aggregate classification (germline): Uncertain significance. Review status: criteria provided, multiple submitters, no conflicts (2 of 4 stars). 3 submissions from 3 submitters: Uncertain significance (2). 1 of the submissions does not count toward it. Last evaluated 2023-04-18.

Conditions:
Combined malonic and methylmalonic acidemia. Identifiers: Orphanet 289504, MedGen C3280314, MONDO:0013661, OMIM 614265.
Inborn genetic diseases. Identifiers: MedGen C0950123, MeSH D030342.

Allele frequency attached by ClinVar (database versions not stated): TOPMed 0.00002; ExAC 0.00003; gnomAD exomes 0.00003.
gnomAD v4.1: 9 of 1,609,464 alleles (0.00056%); highest among the groups gnomAD compares: East Asian, 0.02%; no homozygotes.

Submissions (3):

Ambry Genetics
Classification: Uncertain significance for Inborn genetic diseases. Last evaluated: 2023-04-18. Review status: criteria provided, single submitter. Criteria: Ambry Variant Classification Scheme 2023. Collection method: clinical testing. Allele origin: germline.

Labcorp Genetics (formerly Invitae), Labcorp
Classification: Uncertain significance for Combined malonic and methylmalonic acidemia. Last evaluated: 2021-08-26. Review status: criteria provided, single submitter. Criteria: Invitae Variant Classification Sherloc (09022015). Collection method: clinical testing. Allele origin: germline.
Comment: This sequence change replaces serine with threonine at codon 29 of the ACSF3 protein (p.Ser29Thr). The serine residue is weakly conserved and there is a small physicochemical difference between serine and threonine. This variant is present in population databases (rs754161182, ExAC 0.05%). This variant has not been reported in the literature in individuals affected with ACSF3-related conditions. Algorithms developed to predict the effect of missense changes on protein structure and function (SIFT, PolyPhen-2, Align-GVGD) all suggest that this variant is likely to be tolerated. In summary, the available evidence is currently insufficient to determine the role of this variant in disease. Therefore, it has been classified as a Variant of Uncertain Significance.

Natera, Inc.
Classification: Uncertain significance for Combined malonic and methylmalonic aciduria. Last evaluated: 2020-09-29. Review status: no assertion criteria provided. Collection method: clinical testing. Allele origin: germline. Not counted in ClinVar's aggregate classification.

NM_001243279.3(ACSF3):c.86G>C (p.Ser29Thr)

Gene: ACSF3 (acyl-CoA synthetase family member 3; plus strand). Cytogenetic location: 16q24.3.
Variant type: single nucleotide variant.
Coding change: c.86G>C on transcript NM_001243279.3 (MANE Select); coding-DNA position 86, G replaced by C.
Protein change: p.Ser29Thr; replaces serine 29 with threonine.
Molecular consequence: missense variant. On other transcripts: non-coding transcript variant (3), intron variant (1).
Genome position (GRCh38, 1-based): chr16:89,100,767, G>C. VCF-style: chr16-89100767-G-C. GRCh37 (hg19) VCF-style: chr16-89167175-G-C.
Other names: c.86G>C, p.Ser29Thr (NM_001127214.4, NM_174917.5); c.-129-1837G>C (NM_001284316.2); c.86G>C (NM_174917.3); short protein forms S29T.
Identifiers: ClinVar variation 971632 (VCV000971632.9), dbSNP rs754161182, ClinGen allele CA8237542.